The following is an entry in ClinVar:

NM_000059.4(BRCA2):c.4400A>G (p.His1467Arg)

Gene: BRCA2 (BRCA2 DNA repair associated; plus strand). Cytogenetic location: 13q13.1.
Variant type: single nucleotide variant.
Coding change: c.4400A>G on transcript NM_000059.4 (MANE Select); coding-DNA position 4400, A replaced by G.
Protein change: p.His1467Arg; replaces histidine 1467 with arginine.
Molecular consequence: missense variant.
Genome position (GRCh38, 1-based): chr13:32,338,755, A>G. VCF-style: chr13-32338755-A-G. GRCh37 (hg19) VCF-style: chr13-32912892-A-G.
Other names: short protein forms H1467R.
Identifiers: ClinVar variation 482991 (VCV000482991.18), dbSNP rs1555283765, ClinGen allele CA387781132.

ClinVar aggregate classification (germline): Conflicting classifications of pathogenicity. Review status: criteria provided, conflicting classifications (1 of 4 stars). 5 submissions from 5 submitters: Uncertain significance (3); Likely benign (2). Last evaluated 2025-12-02.

Conditions:
Hereditary cancer-predisposing syndrome. Also called: Neoplastic Syndromes, Hereditary; Tumor predisposition; Hereditary Cancer Syndrome; Hereditary neoplastic syndrome. Identifiers: Orphanet 140162, MedGen C0027672, MeSH D009386, MONDO:0015356.
Hereditary breast ovarian cancer syndrome. Also called: BRCA1- and BRCA2-Associated Hereditary Breast and Ovarian Cancer; Hereditary breast and ovarian cancer; Breast and ovarian cancer; Hereditary breast and/or ovarian cancer syndrome; Hereditary breast and ovarian cancer syndrome; Hereditary breast and ovarian cancer syndrome (HBOC). Identifiers: Orphanet 145, MedGen C0677776, MeSH D061325, MONDO:0003582. Disease mechanism: loss of function.
Familial cancer of breast. Also called: BREAST CANCER, FAMILIAL; hereditary breast carcinoma; Hereditary breast cancer. Identifiers: Orphanet 227535, MedGen C0346153, MONDO:0016419, OMIM 114480. Disease mechanism: loss of function.
Breast-ovarian cancer, familial, susceptibility to, 2 (BROVCA2). Also called: BRCA2 Hereditary Breast and Ovarian Cancer. Identifiers: Orphanet 145, MedGen C2675520, MONDO:0012933, OMIM 612555. Disease mechanism: loss of function.
Fanconi anemia complementation group D1. Also called: BRCA2-Related Fanconi Anemia. Identifiers: Orphanet 319462, MedGen C1838457, MONDO:0011584, OMIM 605724.
Medulloblastoma (MDB). Also called: Medulloblastoma, somatic; MEDULLOBLASTOMA PREDISPOSITION SYNDROME. Identifiers: Orphanet 616, MedGen C0025149, MeSH D008527, MONDO:0007959, OMIM 155255, HP:0002885.
Wilms tumor 1 (WT1). Also called: Wilms tumor, somatic. Identifiers: Orphanet 654, MedGen CN033288, MONDO:0008679, OMIM 194070.
Pancreatic cancer, susceptibility to, 2. Identifiers: Orphanet 1333, MedGen C3150546, MONDO:0013235, OMIM 613347.
Glioma susceptibility 3 (GLM3). Also called: Glioblastoma 3. Identifiers: Orphanet 182067, Orphanet 360, MedGen C2751641, MONDO:0013093, OMIM 613029.
Familial prostate cancer. Also called: Hereditary Prostate Cancer. Identifiers: MedGen C2931456, MONDO:0700275, OMIM 176807.

Submissions (5):

Ambry Genetics
Classification: Likely benign for Hereditary cancer-predisposing syndrome. Last evaluated: 2025-12-02. Review status: criteria provided, single submitter. Criteria: Ambry Variant Classification Scheme 2023. Collection method: clinical testing. Allele origin: germline.

Labcorp Genetics (formerly Invitae), Labcorp
Classification: Uncertain significance for Hereditary breast ovarian cancer syndrome. Last evaluated: 2025-04-22. Review status: criteria provided, single submitter. Criteria: Invitae Variant Classification Sherloc (09022015). Collection method: clinical testing. Allele origin: germline.
Comment: This sequence change replaces histidine, which is basic and polar, with arginine, which is basic and polar, at codon 1467 of the BRCA2 protein (p.His1467Arg). This variant is not present in population databases (gnomAD no frequency). This variant has not been reported in the literature in individuals affected with BRCA2-related conditions. ClinVar contains an entry for this variant (Variation ID: 482991). Invitae Evidence Modeling of protein sequence and biophysical properties (such as structural, functional, and spatial information, amino acid conservation, physicochemical variation, residue mobility, and thermodynamic stability) indicates that this missense variant is not expected to disrupt BRCA2 protein function with a negative predictive value of 95%. In summary, the available evidence is currently insufficient to determine the role of this variant in disease. Therefore, it has been classified as a Variant of Uncertain Significance.

Fulgent Genetics
Classification: Uncertain significance for Familial cancer of breast; Medulloblastoma; Familial prostate cancer; Wilms tumor 1; Fanconi anemia complementation group D1; Breast-ovarian cancer, familial, susceptibility to, 2; Glioma susceptibility 3; Pancreatic cancer, susceptibility to, 2. Last evaluated: 2024-04-01. Review status: criteria provided, single submitter. Criteria: ACMG Guidelines, 2015. Collection method: clinical testing. Allele origin: germline.

Color Diagnostics, LLC DBA Color Health
Classification: Uncertain significance for Hereditary cancer-predisposing syndrome. Last evaluated: 2023-09-25. Review status: criteria provided, single submitter. Criteria: ACMG Guidelines, 2015. Collection method: clinical testing. Allele origin: germline.
Comment: This missense variant replaces histidine with arginine at codon 1467 of the BRCA2 protein. Computational prediction suggests that this variant may not impact protein structure and function (internally defined REVEL score threshold <= 0.5, PMID: 27666373). To our knowledge, functional studies have not been reported for this variant. This variant has not been reported in individuals affected with BRCA2-related disorders in the literature. This variant has not been identified in the general population by the Genome Aggregation Database (gnomAD). The available evidence is insufficient to determine the role of this variant in disease conclusively. Therefore, this variant is classified as a Variant of Uncertain Significance.

University of Washington Department of Laboratory Medicine, University of Washington
Classification: Likely benign for Hereditary cancer-predisposing syndrome. Last evaluated: 2023-03-23. Review status: criteria provided, single submitter. Criteria: Dines et al. (Genet Med. 2020). Collection method: curation. Allele origin: germline.
Comment: Missense variant in a coldspot region where missense variants are very unlikely to be pathogenic (PMID:31911673).

BRCA2 exon 11 coldspot. Reclassification based on statistical prior probability.